The following is an entry in ClinVar:

NM_001943.5(DSG2):c.152G>T (p.Trp51Leu)

Gene: DSG2 (desmoglein 2; plus strand). Cytogenetic location: 18q12.1.
Variant type: single nucleotide variant.
Coding change: c.152G>T on transcript NM_001943.5 (MANE Select); coding-DNA position 152, G replaced by T.
Protein change: p.Trp51Leu; replaces tryptophan 51 with leucine.
Molecular consequence: missense variant.
Genome position (GRCh38, 1-based): chr18:31,519,873, G>T. VCF-style: chr18-31519873-G-T. GRCh37 (hg19) VCF-style: chr18-29099836-G-T.
Other names: short protein forms W51L.
Identifiers: ClinVar variation 44282 (VCV000044282.7), dbSNP rs397516702, ClinGen allele CA021451.

ClinVar aggregate classification (germline): Uncertain significance. Review status: criteria provided, multiple submitters, no conflicts (2 of 4 stars). 2 submissions from 2 submitters: Uncertain significance (2). Last evaluated 2022-11-15.

Conditions:
Arrhythmogenic right ventricular dysplasia 10. Also called: ARRHYTHMOGENIC RIGHT VENTRICULAR DYSPLASIA, FAMILIAL, 10; Arrhythmogenic Right Ventricular Dysplasia/Cardiomyopathy10; Arrhythmogenic right ventricular dysplasia/cardiomyopathy, type 10. Identifiers: MedGen C1857777, MONDO:0012434, OMIM 610193.

Submissions (2):

Labcorp Genetics (formerly Invitae), Labcorp
Classification: Uncertain significance for Arrhythmogenic right ventricular dysplasia 10. Last evaluated: 2022-11-15. Review status: criteria provided, single submitter. Criteria: Invitae Variant Classification Sherloc (09022015). Collection method: clinical testing. Allele origin: germline.
Comment: This sequence change replaces tryptophan, which is neutral and slightly polar, with leucine, which is neutral and non-polar, at codon 51 of the DSG2 protein (p.Trp51Leu). This variant is not present in population databases (gnomAD no frequency). This missense change has been observed in individual(s) with arrhythmogenic cardiomyopathy (PMID: 31319917). ClinVar contains an entry for this variant (Variation ID: 44282). Algorithms developed to predict the effect of missense changes on protein structure and function (SIFT, PolyPhen-2, Align-GVGD) all suggest that this variant is likely to be disruptive. In summary, the available evidence is currently insufficient to determine the role of this variant in disease. Therefore, it has been classified as a Variant of Uncertain Significance.

Laboratory for Molecular Medicine, Mass General Brigham Personalized Medicine
Classification: Uncertain significance. Last evaluated: 2016-02-19. Review status: criteria provided, single submitter. Criteria: LMM Criteria. Collection method: clinical testing. Allele origin: germline. Observed: 2 variant alleles.
Comment: Variant classified as Uncertain Significance - Favor Pathogenic. It was absent from large population studies. Computational pr ediction tools and conservation analysis suggest that the p.Trp51Leu variant may impact the protein, though this information is not predictive enough to determi ne pathogenicity. In summary, while there is some suspicion for a pathogenic rol e, the clinical significance of the p.Trp51Leu variant is uncertain.

Literature cited by the submitters: PubMed 31319917 (cited by Labcorp Genetics (formerly Invitae), Labcorp).